The following is an entry in ClinVar:

NM_152564.5(VPS13B):c.11315G>C (p.Gly3772Ala)

Gene: VPS13B (vacuolar protein sorting 13 homolog B; plus strand). Cytogenetic location: 8q22.2.
Variant type: single nucleotide variant.
Coding change: c.11315G>C on transcript NM_152564.5 (MANE Select); coding-DNA position 11315, G replaced by C.
Protein change: p.Gly3772Ala; replaces glycine 3772 with alanine.
Molecular consequence: missense variant.
Genome position (GRCh38, 1-based): chr8:99,868,388, G>C. VCF-style: chr8-99868388-G-C. GRCh37 (hg19) VCF-style: chr8-100880616-G-C.
Other names: c.11390G>C, p.Gly3797Ala (NM_017890.5); short protein forms G3772A, G3797A.
Identifiers: ClinVar variation 1715888 (VCV001715888.5), dbSNP rs2492347034, ClinGen allele CA371792104.

ClinVar aggregate classification (germline): Uncertain significance (1 of 4 stars; one submission).

Conditions:
Cohen syndrome (COH1). Also called: PEPPER SYNDROME; Cutis verticis gyrata, retinitis pigmentosa, and sensorineural deafness. Identifiers: Orphanet 193, MedGen C0265223, MONDO:0008999, OMIM 216550.

Submission:

Labcorp Genetics (formerly Invitae), Labcorp
Classification: Uncertain significance for Cohen syndrome. Last evaluated: 2022-08-16. Review status: criteria provided, single submitter. Criteria: Invitae Variant Classification Sherloc (09022015). Collection method: clinical testing. Allele origin: germline.
Comment: This sequence change replaces glycine, which is neutral and non-polar, with alanine, which is neutral and non-polar, at codon 3797 of the VPS13B protein (p.Gly3797Ala). In summary, the available evidence is currently insufficient to determine the role of this variant in disease. Therefore, it has been classified as a Variant of Uncertain Significance. Algorithms developed to predict the effect of missense changes on protein structure and function are either unavailable or do not agree on the potential impact of this missense change (SIFT: "Not Available"; PolyPhen-2: "Probably Damaging"; Align-GVGD: "Not Available"). This variant has not been reported in the literature in individuals affected with VPS13B-related conditions. This variant is not present in population databases (gnomAD no frequency).